The following is an entry in ClinVar:

ClinVar aggregate classification (germline): Uncertain significance (1 of 4 stars; one submission).

Submission:

GeneDx
Classification: Uncertain significance. Last evaluated: 2021-05-29. Review status: criteria provided, single submitter. Criteria: GeneDx Variant Classification Process June 2021. Collection method: clinical testing. Allele origin: germline. Affected: yes.
Comment: Not observed at significant frequency in large population cohorts (Lek et al., 2016); In silico analysis supports that this missense variant does not alter protein structure/function; Has not been previously published as pathogenic or benign to our knowledge; This variant is associated with the following publications: (PMID: 27535533)

NM_003737.4(DCHS1):c.8338A>G (p.Ser2780Gly)

Gene: DCHS1 (dachsous cadherin-related 1; minus strand). Cytogenetic location: 11p15.4.
Variant type: single nucleotide variant.
Coding change: c.8338A>G on transcript NM_003737.4 (MANE Select); coding-DNA position 8338, A replaced by G.
Protein change: p.Ser2780Gly; replaces serine 2780 with glycine.
Molecular consequence: missense variant.
Genome position (GRCh38, 1-based): chr11:6,623,338, T>C on the plus strand (A>G on the coding strand, the complement: DCHS1 is on the minus strand). VCF-style: chr11-6623338-T-C. GRCh37 (hg19) VCF-style: chr11-6644569-T-C.
Other names: short protein forms S2780G.
Identifiers: ClinVar variation 1327822 (VCV001327822.2), dbSNP rs2134610010, ClinGen allele CA379481224.